The following is an entry in ClinVar:

NM_153000.5(APCDD1):c.374G>A (p.Arg125Gln)

Gene: APCDD1 (APC down-regulated 1; plus strand). Cytogenetic location: 18p11.22.
Variant type: single nucleotide variant.
Coding change: c.374G>A on transcript NM_153000.5 (MANE Select); coding-DNA position 374, G replaced by A.
Protein change: p.Arg125Gln; replaces arginine 125 with glutamine.
Molecular consequence: missense variant.
Genome position (GRCh38, 1-based): chr18:10,471,661, G>A. VCF-style: chr18-10471661-G-A. GRCh37 (hg19) VCF-style: chr18-10471658-G-A.
Other names: short protein forms R125Q.
Identifiers: ClinVar variation 4752175 (VCV004752175.1).

ClinVar aggregate classification (germline): Uncertain significance (1 of 4 stars; one submission).

gnomAD v4.1: 50 of 1,614,076 alleles (0.0031%); highest among the groups gnomAD compares: African/African-American, 0.035%; no homozygotes.

Submission:

Labcorp Genetics (formerly Invitae), Labcorp
Classification: Uncertain significance. Last evaluated: 2025-12-01. Review status: criteria provided, single submitter. Criteria: Invitae Variant Classification Sherloc (09022015). Collection method: clinical testing. Allele origin: germline.
Comment: This sequence change replaces arginine, which is basic and polar, with glutamine, which is neutral and polar, at codon 125 of the APCDD1 protein (p.Arg125Gln). This variant is present in population databases (rs186616216, gnomAD 0.05%), and has an allele count higher than expected for a pathogenic variant. This variant has not been reported in the literature in individuals affected with APCDD1-related conditions. Invitae Evidence Modeling of protein sequence and biophysical properties (such as structural, functional, and spatial information, amino acid conservation, physicochemical variation, residue mobility, and thermodynamic stability) indicates that this missense variant is not expected to disrupt APCDD1 protein function with a negative predictive value of 80%. Algorithms developed to predict the effect of sequence changes on RNA splicing suggest that this variant may create or strengthen a splice site. In summary, the available evidence is currently insufficient to determine the role of this variant in disease. Therefore, it has been classified as a Variant of Uncertain Significance.